The following is an entry in ClinVar:

ClinVar aggregate classification (germline): Uncertain significance (1 of 4 stars; one submission).

Allele frequency attached by ClinVar (database versions not stated): gnomAD 0.00001.
gnomAD v4.1: 8 of 1,596,260 alleles (0.0005%); highest among the groups gnomAD compares: Admixed American, 0.0017%; no homozygotes.

Submission:

Labcorp Genetics (formerly Invitae), Labcorp
Classification: Uncertain significance. Last evaluated: 2022-09-22. Review status: criteria provided, single submitter. Criteria: Invitae Variant Classification Sherloc (09022015). Collection method: clinical testing. Allele origin: germline.
Comment: Advanced modeling of protein sequence and biophysical properties (such as structural, functional, and spatial information, amino acid conservation, physicochemical variation, residue mobility, and thermodynamic stability) performed at Invitae indicates that this missense variant is expected to disrupt GNB3 protein function. In summary, the available evidence is currently insufficient to determine the role of this variant in disease. Therefore, it has been classified as a Variant of Uncertain Significance. This variant has not been reported in the literature in individuals affected with GNB3-related conditions. This variant is present in population databases (no rsID available, gnomAD 0.0009%). This sequence change replaces serine, which is neutral and polar, with tyrosine, which is neutral and polar, at codon 331 of the GNB3 protein (p.Ser331Tyr).

NM_002075.4(GNB3):c.992C>A (p.Ser331Tyr)

Genes: CDCA3 (cell division cycle associated 3; minus strand), GNB3 (G protein subunit beta 3; plus strand). Cytogenetic location: 12p13.31.
Variant type: single nucleotide variant.
Coding change: c.992C>A on transcript NM_002075.4 (MANE Select); coding-DNA position 992, C replaced by A.
Protein change: p.Ser331Tyr; replaces serine 331 with tyrosine.
Molecular consequence: missense variant.
Genome position (GRCh38, 1-based): chr12:6,846,867, C>A. VCF-style: chr12-6846867-C-A. GRCh37 (hg19) VCF-style: chr12-6956031-C-A.
Other names: c.989C>A, p.Ser330Tyr (NM_001297571.2); c.581G>T, p.Gly194Val (NM_001297603.3); short protein forms S330Y, G194V, S331Y.
Identifiers: ClinVar variation 1992611 (VCV001992611.4), dbSNP rs1555124868, ClinGen allele CA383676422.